The following is an entry in ClinVar:

NM_014283.5(SUCO):c.1147A>G (p.Ile383Val)

Gene: SUCO (SUN domain containing ossification factor; plus strand). Cytogenetic location: 1q24.3.
Variant type: single nucleotide variant.
Coding change: c.1147A>G on transcript NM_014283.5 (MANE Select); coding-DNA position 1147, A replaced by G.
Protein change: p.Ile383Val; replaces isoleucine 383 with valine.
Molecular consequence: missense variant. On other transcripts: 5 prime UTR variant (1).
Genome position (GRCh38, 1-based): chr1:172,573,988, A>G. VCF-style: chr1-172573988-A-G. GRCh37 (hg19) VCF-style: chr1-172543128-A-G.
Other names: c.1036A>G, p.Ile346Val (NM_001282750.2); c.-383A>G (NM_001282751.2); c.1621A>G, p.Ile541Val (NM_016227.4); short protein forms I346V, I383V, I541V.
Identifiers: ClinVar variation 1387893 (VCV001387893.8), dbSNP rs1226464422, ClinGen allele CA343738266.

ClinVar aggregate classification (germline): Uncertain significance (1 of 4 stars; one submission).

Allele frequency attached by ClinVar (database versions not stated): gnomAD exomes below 0.00001; TOPMed below 0.00001; gnomAD 0.00001.
gnomAD v4.1: 3 of 1,555,938 alleles (0.00019%); highest among the groups gnomAD compares: Non-Finnish European, 0.00027%; no homozygotes.

Submission:

Labcorp Genetics (formerly Invitae), Labcorp
Classification: Uncertain significance. Last evaluated: 2022-11-22. Review status: criteria provided, single submitter. Criteria: Invitae Variant Classification Sherloc (09022015). Collection method: clinical testing. Allele origin: germline.
Comment: This variant is present in population databases (no rsID available, gnomAD 0.0009%). This sequence change replaces isoleucine, which is neutral and non-polar, with valine, which is neutral and non-polar, at codon 383 of the SUCO protein (p.Ile383Val). In summary, the available evidence is currently insufficient to determine the role of this variant in disease. Therefore, it has been classified as a Variant of Uncertain Significance. Algorithms developed to predict the effect of missense changes on protein structure and function are either unavailable or do not agree on the potential impact of this missense change (SIFT: "Tolerated"; PolyPhen-2: "Possibly Damaging"; Align-GVGD: "Class C0"). ClinVar contains an entry for this variant (Variation ID: 1387893). This variant has not been reported in the literature in individuals affected with SUCO-related conditions.